The following is an entry in ClinVar:

NM_032043.3(BRIP1):c.2156del (p.Leu719fs)

Gene: BRIP1 (BRCA1 interacting DNA helicase 1; minus strand). Cytogenetic location: 17q23.2.
Variant type: Deletion.
Coding change: c.2156del on transcript NM_032043.3 (MANE Select); coding-DNA position 2156, one base deleted (T; older notation c.2156delT).
Protein change: p.Leu719fs; shifts the reading frame from leucine 719.
Molecular consequence: frameshift variant.
Genome position (GRCh38, 1-based): chr17:61,744,533, A deleted on the plus strand (T on the coding strand, the reverse complement: BRIP1 is on the minus strand); the first of 2 consecutive A bases (chr17:61,744,533-61,744,534); deleting either gives the same sequence. VCF-style (leftmost placement, unchanged base first): chr17-61744532-CA-C. GRCh37 (hg19) VCF-style: chr17-59821893-CA-C.
Other names: short protein forms L719fs.
Identifiers: ClinVar variation 2774996 (VCV002774996.5), dbSNP rs2544838229, ClinGen allele CA2697555056.

ClinVar aggregate classification (germline): Pathogenic. Review status: criteria provided, multiple submitters, no conflicts (2 of 4 stars). 2 submissions from 2 submitters: Pathogenic (2). Last evaluated 2024-01-16.

Conditions:
Fanconi anemia complementation group J. Also called: BRIP1-Related Fanconi Anemia. Identifiers: Orphanet 84, MedGen C1836860, MONDO:0012187, OMIM 609054.
Familial cancer of breast. Also called: Hereditary breast cancer; hereditary breast carcinoma; BREAST CANCER, FAMILIAL. Identifiers: Orphanet 227535, MedGen C0346153, MONDO:0016419, OMIM 114480. Disease mechanism: loss of function.
Hereditary cancer-predisposing syndrome. Also called: Hereditary Cancer Syndrome; Hereditary neoplastic syndrome; Tumor predisposition; Neoplastic Syndromes, Hereditary. Identifiers: Orphanet 140162, MedGen C0027672, MeSH D009386, MONDO:0015356.

Submissions (2):

Labcorp Genetics (formerly Invitae), Labcorp
Classification: Pathogenic for Familial cancer of breast; Fanconi anemia complementation group J. Last evaluated: 2024-01-16. Review status: criteria provided, single submitter. Criteria: Invitae Variant Classification Sherloc (09022015). Collection method: clinical testing. Allele origin: germline.
Comment: This sequence change creates a premature translational stop signal (p.Leu719Trpfs*2) in the BRIP1 gene. It is expected to result in an absent or disrupted protein product. Loss-of-function variants in BRIP1 are known to be pathogenic (PMID: 16116423, 17033622, 21964575). This variant is not present in population databases (gnomAD no frequency). This variant has not been reported in the literature in individuals affected with BRIP1-related conditions. For these reasons, this variant has been classified as Pathogenic.

Color Diagnostics, LLC DBA Color Health
Classification: Pathogenic for Hereditary cancer-predisposing syndrome. Last evaluated: 2023-04-11. Review status: criteria provided, single submitter. Criteria: ACMG Guidelines, 2015. Collection method: clinical testing. Allele origin: germline.
Comment: This variant deletes 1 nucleotide in exon 15 of the BRIP1 gene, creating a frameshift and premature translation stop signal. This variant is expected to result in an absent or non-functional protein product. To our knowledge, this variant has not been reported in individuals affected with BRIP1-related disorders in the literature. This variant has not been identified in the general population by the Genome Aggregation Database (gnomAD). Loss of BRIP1 function is a known mechanism of disease. Based on the available evidence, this variant is classified as Pathogenic.

Literature cited by the submitters: PubMed 16116423 (cited by Labcorp Genetics (formerly Invitae), Labcorp); PubMed 17033622 (cited by Labcorp Genetics (formerly Invitae), Labcorp); PubMed 21964575 (cited by Labcorp Genetics (formerly Invitae), Labcorp).